The following is an entry in ClinVar:

NM_025215.6(PUS1):c.1266G>A (p.Gly422=)

Gene: PUS1 (pseudouridine synthase 1; plus strand). Cytogenetic location: 12q24.33.
Variant type: single nucleotide variant.
Coding change: c.1266G>A on transcript NM_025215.6 (MANE Select); coding-DNA position 1266, G replaced by A.
Protein change: p.Gly422=; no amino-acid change (glycine 422 retained).
Molecular consequence: synonymous variant.
Genome position (GRCh38, 1-based): chr12:131,943,568, G>A. VCF-style: chr12-131943568-G-A. GRCh37 (hg19) VCF-style: chr12-132428113-G-A.
Other names: c.1182G>A, p.Gly394= (NM_001002019.3, NM_001002020.3).
Identifiers: ClinVar variation 307708 (VCV000307708.22), dbSNP rs201441662, ClinGen allele CA6884386.
Genomic context (GRCh38, chr12:131,943,568, plus strand): 5'-CTCTTATTCTCCATGTGGTCTTCTTCTGCAGGTGCCCAGTCCCCTGGAAGGCAGTGAAGG[G>A]GACGGAGACACTGACTGAGGCGATGGGAGCTGCCCACCAGAGTGCCTCTGAGCAGCTCAC-3'
Protein context (NP_079491.2, residues 412-427): KVPSPLEGSE[Gly422=]DGDTD

ClinVar aggregate classification (germline): Conflicting classifications of pathogenicity. Review status: criteria provided, conflicting classifications (1 of 4 stars). 6 submissions from 6 submitters: Uncertain significance (1); Benign (1); Likely benign (2). 2 of the submissions do not count toward it. Last evaluated 2026-01-25.

Conditions:
PUS1-related disorder. Also called: PUS1-related condition.
Myopathy, lactic acidosis, and sideroblastic anemia 1 (MLASA1). Identifiers: Orphanet 2598, MedGen C4551958, MONDO:0024553, OMIM 600462.

Allele frequency attached by ClinVar (database versions not stated): TOPMed 0.00010; ExAC 0.00011; gnomAD 0.00011; gnomAD exomes 0.00017; ESP Exome Variant Server 0.00023.
gnomAD v4.1: 125 of 1,613,626 alleles (0.0077%); highest among the groups gnomAD compares: Admixed American, 0.005%; no homozygotes.

Submissions (6):

Labcorp Genetics (formerly Invitae), Labcorp
Classification: Benign. Last evaluated: 2026-01-25. Review status: criteria provided, single submitter. Criteria: Invitae Variant Classification Sherloc (09022015). Collection method: clinical testing. Allele origin: germline.

Blueprint Genetics
Classification: Likely benign. Last evaluated: 2024-05-03. Review status: criteria provided, single submitter. Criteria: ACMG Guidelines, 2015. Collection method: clinical testing. Allele origin: germline.

GeneDx
Classification: Likely benign. Last evaluated: 2020-01-14. Review status: criteria provided, single submitter. Criteria: GeneDx Variant Classification Process June 2021. Collection method: clinical testing. Allele origin: germline. Affected: yes.

Illumina Laboratory Services, Illumina
Classification: Uncertain significance for Myopathy, lactic acidosis, and sideroblastic anemia 1. Last evaluated: 2018-01-13. Review status: criteria provided, single submitter. Criteria: ICSL Variant Classification Criteria 13 December 2019. Collection method: clinical testing. Allele origin: germline.

Natera, Inc.
Classification: Likely benign for Myopathy, lactic acidosis, and sideroblastic anemia 1. Last evaluated: 2020-01-13. Review status: no assertion criteria provided. Collection method: clinical testing. Allele origin: germline. Not counted in ClinVar's aggregate classification.

PreventionGenetics, part of Exact Sciences
Classification: Likely benign for PUS1-related condition. Last evaluated: 2019-11-12. Review status: no assertion criteria provided. Collection method: clinical testing. Allele origin: germline. Not counted in ClinVar's aggregate classification.
Comment: This variant is classified as likely benign based on ACMG/AMP sequence variant interpretation guidelines (Richards et al. 2015 PMID: 25741868, with internal and published modifications).